The following is an entry in ClinVar:

ClinVar aggregate classification (germline): Pathogenic. Review status: criteria provided, multiple submitters, no conflicts (2 of 4 stars). 2 submissions from 2 submitters: Pathogenic (2). Last evaluated 2026-02-06.

Conditions:
Hyperparathyroidism 1 (HRPT1). Also called: HYPERPARATHYROIDISM, FAMILIAL ISOLATED PRIMARY. Identifiers: Orphanet 99879, MedGen C1840402, MONDO:0007767, OMIM 145000.
Hereditary cancer-predisposing syndrome. Also called: Tumor predisposition; Hereditary Cancer Syndrome; Hereditary neoplastic syndrome; Neoplastic Syndromes, Hereditary. Identifiers: Orphanet 140162, MedGen C0027672, MeSH D009386, MONDO:0015356.

Submissions (2):

Ambry Genetics
Classification: Pathogenic for Hereditary cancer-predisposing syndrome. Last evaluated: 2026-02-06. Review status: criteria provided, single submitter. Criteria: Ambry Variant Classification Scheme 2023. Collection method: clinical testing. Allele origin: germline.
Comment: The c.520_523delTCTG pathogenic mutation, located in coding exon 7 of the CDC73 gene, results from a deletion of 4 nucleotides at nucleotide positions 520 to 523, causing a translational frameshift with a predicted alternate stop codon (p.S174Kfs*27). This variant was reported in individuals with features consistent with CDC73-related disorder, including parathyroid carcinoma and/or hyperparathyroidsim; in at least one individual, it was determined to be de novo (Mizusawa N et al. Clin Endocrinol (Oxf), 2006 Jul;65:9-16; Cavaco BM et al. Endocr Pathol, 2011 Mar;22:44-52; Guarnieri V et al. Cell Oncol (Dordr), 2012 Dec;35:411-22; Figueiredo AA et al. J Endocrinol Invest, 2023 Sep;46:1799-1806). This variant is considered to be rare based on population cohorts in the Genome Aggregation Database (gnomAD). This alteration is expected to result in loss of function by premature protein truncation or nonsense-mediated mRNA decay. As such, this alteration is interpreted as a disease-causing mutation.

Baylor Genetics
Classification: Pathogenic for Hyperparathyroidism 1. Last evaluated: 2024-03-20. Review status: criteria provided, single submitter. Criteria: ACMG Guidelines, 2015. Collection method: clinical testing. Allele origin: unknown.

Literature cited by the submitters: PubMed 16817812 (cited by Ambry Genetics); PubMed 21360064 (cited by Ambry Genetics); PubMed 22987117 (cited by Ambry Genetics); PubMed 36780067 (cited by Ambry Genetics).

NM_024529.5(CDC73):c.520_523del (p.Ser174fs)

Gene: CDC73 (cell division cycle 73; plus strand). Cytogenetic location: 1q31.2.
Variant type: Deletion.
Coding change: c.520_523del on transcript NM_024529.5 (MANE Select); coding-DNA positions 520 to 523, 4 bases deleted (TCTG; older notation c.520_523delTCTG).
Protein change: p.Ser174fs; shifts the reading frame from serine 174.
Molecular consequence: frameshift variant.
Genome position (GRCh38, 1-based): chr1:193,141,857-193,141,860, TCTG deleted; deleting any 4 consecutive bases within chr1:193,141,855-193,141,860 gives the same sequence; the c. name uses the placement nearest the transcript's 3' end. VCF-style (leftmost placement, unchanged base first): chr1-193141854-TTGTC-T. GRCh37 (hg19) VCF-style: chr1-193110984-TTGTC-T.
Other names: short protein forms S174fs.
Identifiers: ClinVar variation 3241015 (VCV003241015.2), dbSNP rs2527324275.